The following is an entry in ClinVar:

NM_006019.4(TCIRG1):c.1228G>A (p.Gly410Arg)

Gene: TCIRG1 (T cell immune regulator 1, ATPase H+ transporting V0 subunit a3; plus strand). Cytogenetic location: 11q13.2.
Variant type: single nucleotide variant.
Coding change: c.1228G>A on transcript NM_006019.4 (MANE Select); coding-DNA position 1228, G replaced by A.
Protein change: p.Gly410Arg; replaces glycine 410 with arginine.
Molecular consequence: missense variant.
Genome position (GRCh38, 1-based): chr11:68,047,495, G>A. VCF-style: chr11-68047495-G-A. GRCh37 (hg19) VCF-style: chr11-67814962-G-A.
Other names: c.334G>A, p.Gly112Arg (NM_001351059.2); c.580G>A, p.Gly194Arg (NM_006053.4); c.1228G>A (NM_006019.3); short protein forms G112R, G194R, G410R.
Identifiers: ClinVar variation 2137172 (VCV002137172.8), dbSNP rs775902505, ClinGen allele CA6147026.

ClinVar aggregate classification (germline): Conflicting classifications of pathogenicity. Review status: criteria provided, conflicting classifications (1 of 4 stars). 4 submissions from 4 submitters: Pathogenic (1); Likely pathogenic (2); Uncertain significance (1). Last evaluated 2025-11-24.

Conditions:
Autosomal recessive osteopetrosis 1. Also called: TCIRG1-Related Autosomal Recessive Osteopetrosis; TCIRG1-Related Osteopetrosis; ALBERS-SCHONBERG DISEASE, AUTOSOMAL RECESSIVE. Identifiers: Orphanet 667, MedGen C1850127, MONDO:0009815, OMIM 259700.

gnomAD v4.1: 6 of 1,614,042 alleles (0.00037%); highest among the groups gnomAD compares: East Asian, 0.0022%; no homozygotes.

Submissions (4):

Labcorp Genetics (formerly Invitae), Labcorp
Classification: Pathogenic. Last evaluated: 2025-11-24. Review status: criteria provided, single submitter. Criteria: Invitae Variant Classification Sherloc (09022015). Collection method: clinical testing. Allele origin: germline.
Comment: This sequence change replaces glycine, which is neutral and non-polar, with arginine, which is basic and polar, at codon 410 of the TCIRG1 protein (p.Gly410Arg). This variant is present in population databases (rs775902505, gnomAD 0.003%). This missense change has been observed in individual(s) with osteopetrosis (PMID: 19507210, 30539151, 35915932). In at least one individual the data is consistent with being in trans (on the opposite chromosome) from a pathogenic variant. It has also been observed to segregate with disease in related individuals. This variant is also known as c.334G>A, p.Gly112Arg. ClinVar contains an entry for this variant (Variation ID: 2137172). Invitae Evidence Modeling of protein sequence and biophysical properties (such as structural, functional, and spatial information, amino acid conservation, physicochemical variation, residue mobility, and thermodynamic stability) indicates that this missense variant is expected to disrupt TCIRG1 protein function with a positive predictive value of 80%. For these reasons, this variant has been classified as Pathogenic.

Natera, Inc.
Classification: Likely pathogenic for Infantile malignant osteopetrosis. Last evaluated: 2025-07-26. Review status: criteria provided, single submitter. Criteria: Natera Variant Classification Schema (03/2026). Collection method: clinical testing. Allele origin: germline.
Comment: The c.1228G>A variant in TCIRG1 is a missense variant predicted to cause substitution of glycine to arginine at amino acid 410. This variant is rare in the general population with a frequency below the threshold expected for the associated phenotype(s). This variant has been observed in one or more individuals affected with the associated recessive disease, as either homozygous or compound heterozygous with a second variant (PMID: 35915932). Additionally, this variant has been observed to segregate in affected family members (PMID: 35915932). Computational prediction algorithms indicate this variant is likely to affect gene or protein function. Given the available evidence, this variant is classified as Likely Pathogenic.

Fulgent Genetics
Classification: Likely pathogenic for Autosomal recessive osteopetrosis 1. Last evaluated: 2024-04-05. Review status: criteria provided, single submitter. Criteria: ACMG Guidelines, 2015. Collection method: clinical testing. Allele origin: germline.

Revvity Omics, Revvity
Classification: Uncertain significance for Autosomal recessive osteopetrosis 1. Last evaluated: 2023-10-30. Review status: criteria provided, single submitter. Criteria: ACMG Guidelines, 2015. Collection method: clinical testing. Allele origin: germline.

Literature cited by the submitters: PubMed 19507210 (cited by Labcorp Genetics (formerly Invitae), Labcorp); PubMed 30539151 (cited by Labcorp Genetics (formerly Invitae), Labcorp); PubMed 35915932 (cited by Labcorp Genetics (formerly Invitae), Labcorp and Natera, Inc.).